The following is an entry in ClinVar:

NM_006180.6(NTRK2):c.1365G>C (p.Lys455Asn)

Gene: NTRK2 (neurotrophic receptor tyrosine kinase 2; plus strand). Cytogenetic location: 9q21.33.
Variant type: single nucleotide variant.
Coding change: c.1365G>C on transcript NM_006180.6 (MANE Select); coding-DNA position 1365, G replaced by C.
Protein change: p.Lys455Asn; replaces lysine 455 with asparagine.
Molecular consequence: missense variant.
Genome position (GRCh38, 1-based): chr9:84,752,054, G>C. VCF-style: chr9-84752054-G-C. GRCh37 (hg19) VCF-style: chr9-87366969-G-C.
Other names: c.1365G>C, p.Lys455Asn (NM_001007097.3, NM_001018064.3, NM_001018065.2 and 15 more transcripts); c.1326G>C, p.Lys442Asn (NM_001291937.2, NM_001369546.1); c.1329G>C, p.Lys443Asn (NM_001369534.1); c.897G>C, p.Lys299Asn (NM_001369535.1, NM_001369536.1, NM_001369550.1 and 2 more transcripts); short protein forms K299N, K442N, K443N, K455N.
Identifiers: ClinVar variation 3346342 (VCV003346342.1).

ClinVar aggregate classification (germline): Uncertain significance (0 of 4 stars; one submission).

Conditions:
NTRK2-related disorder. Also called: NTRK2-related condition.

Submission:

PreventionGenetics, part of Exact Sciences
Classification: Uncertain significance for NTRK2-related condition. Last evaluated: 2024-03-13. Review status: no assertion criteria provided. Collection method: clinical testing. Allele origin: germline.
Comment: The NTRK2 c.1365G>C variant is predicted to result in the amino acid substitution p.Lys455Asn. To our knowledge, this variant has not been reported in the literature. This variant is reported in 0.0065% of alleles in individuals of European (Non-Finnish) descent in gnomAD. At this time, the clinical significance of this variant is uncertain due to the absence of conclusive functional and genetic evidence.